The following is an entry in ClinVar:

ClinVar aggregate classification (germline): Uncertain significance (1 of 4 stars; one submission).

Allele frequency attached by ClinVar (database versions not stated): gnomAD exomes below 0.00001.
gnomAD v4.1: 3 of 1,614,094 alleles (0.00019%); highest among the groups gnomAD compares: Non-Finnish European, 0.00025%; no homozygotes.

Submission:

Labcorp Genetics (formerly Invitae), Labcorp
Classification: Uncertain significance. Last evaluated: 2022-02-16. Review status: criteria provided, single submitter. Criteria: Invitae Variant Classification Sherloc (09022015). Collection method: clinical testing. Allele origin: germline.
Comment: This sequence change affects codon 501 of the EIF2B5 mRNA. It is a 'silent' change, meaning that it does not change the encoded amino acid sequence of the EIF2B5 protein. This variant is not present in population databases (gnomAD no frequency). This variant has not been reported in the literature in individuals affected with EIF2B5-related conditions. Algorithms developed to predict the effect of sequence changes on RNA splicing suggest that this variant may create or strengthen a splice site. In summary, the available evidence is currently insufficient to determine the role of this variant in disease. Therefore, it has been classified as a Variant of Uncertain Significance.

NM_003907.3(EIF2B5):c.1503C>T (p.Gly501=)

Gene: EIF2B5 (eukaryotic translation initiation factor 2B subunit epsilon; plus strand). Cytogenetic location: 3q27.1.
Variant type: single nucleotide variant.
Coding change: c.1503C>T on transcript NM_003907.3 (MANE Select); coding-DNA position 1503, C replaced by T.
Protein change: p.Gly501=; no amino-acid change (glycine 501 retained).
Molecular consequence: synonymous variant.
Genome position (GRCh38, 1-based): chr3:184,142,560, C>T. VCF-style: chr3-184142560-C-T. GRCh37 (hg19) VCF-style: chr3-183860348-C-T.
Identifiers: ClinVar variation 2087346 (VCV002087346.4), dbSNP rs2473669699, ClinGen allele CA437323688.
Genomic context (GRCh38, chr3:184,142,560, plus strand): 5'-AGGTTACAATCCAGCAGAAGTAGGAGCTGCTGGCAAGGGCTACCTCTGGAAAGCTGCAGG[C>T]ATGAACATGGAGGAAGAGGAGGAACTGCAGCAGAATCTGTGGGGTGAGCTAGGCCTGATG-3'
Protein context (NP_003898.2, residues 491-511): AGKGYLWKAA[Gly501=]MNMEEEEELQ